The following is an entry in ClinVar:

NM_018706.7(DHTKD1):c.1159+1G>A

Gene: DHTKD1 (dehydrogenase E1 and transketolase domain containing 1; plus strand). Cytogenetic location: 10p14.
Variant type: single nucleotide variant.
Coding change: c.1159+1G>A on transcript NM_018706.7 (MANE Select); the canonical splice donor site of the intron after coding-DNA position 1159, G replaced by A.
Molecular consequence: splice donor variant.
Genome position (GRCh38, 1-based): chr10:12,091,685, G>A. VCF-style: chr10-12091685-G-A. GRCh37 (hg19) VCF-style: chr10-12133684-G-A.
Identifiers: ClinVar variation 2980905 (VCV002980905.3), dbSNP rs766647628, ClinGen allele CA376019821.

ClinVar aggregate classification (germline): Likely pathogenic (1 of 4 stars; one submission).

Conditions:
2-aminoadipic 2-oxoadipic aciduria (AAKAD). Also called: Aminoadipic aciduria; ALPHA-AMINOADIPIC AND ALPHA-KETOADIPIC ACIDURIA. Identifiers: Orphanet 79154, MedGen C1859817, MONDO:0008774, OMIM 204750.

Allele frequency attached by ClinVar (database versions not stated): TOPMed below 0.00001.
gnomAD v4.1: 3 of 1,612,974 alleles (0.00019%); highest among the groups gnomAD compares: Non-Finnish European, 0.00025%; no homozygotes.

Submission:

Labcorp Genetics (formerly Invitae), Labcorp
Classification: Likely pathogenic for 2-aminoadipic 2-oxoadipic aciduria. Last evaluated: 2023-03-08. Review status: criteria provided, single submitter. Criteria: Invitae Variant Classification Sherloc (09022015). Collection method: clinical testing. Allele origin: germline.
Comment: In summary, the currently available evidence indicates that the variant is pathogenic, but additional data are needed to prove that conclusively. Therefore, this variant has been classified as Likely Pathogenic. Algorithms developed to predict the effect of sequence changes on RNA splicing suggest that this variant may disrupt the consensus splice site. Disruption of this splice site has been observed in individual(s) with autosomal dominant neuropathy (Invitae). This variant has been reported in individual(s) with autosomal dominant neuropathy (Invitae); however, the role of the variant in this condition is currently unclear. The frequency data for this variant in the population databases is considered unreliable, as metrics indicate poor data quality at this position in the gnomAD database. This sequence change affects a donor splice site in intron 6 of the DHTKD1 gene. It is expected to disrupt RNA splicing. Variants that disrupt the donor or acceptor splice site typically lead to a loss of protein function (PMID: 16199547), and loss-of-function variants in DHTKD1 are known to be pathogenic (PMID: 23141293, 25860818).

Literature cited by the submitters: PubMed 16199547; PubMed 23141293; PubMed 25860818.